The following is an entry in ClinVar:

NM_002878.4(RAD51D):c.276G>C (p.Leu92=)

Genes: RAD51D (RAD51 paralog D; minus strand), RAD51L3-RFFL (RAD51L3-RFFL readthrough; minus strand). Cytogenetic location: 17q12.
Variant type: single nucleotide variant.
Coding change: c.276G>C on transcript NM_002878.4 (MANE Select); coding-DNA position 276, G replaced by C.
Protein change: p.Leu92=; no amino-acid change (leucine 92 retained).
Molecular consequence: synonymous variant. On other transcripts: non-coding transcript variant (2), intron variant (1).
Genome position (GRCh38, 1-based): chr17:35,107,435, C>G on the plus strand (G>C on the coding strand, the complement: RAD51D is on the minus strand). VCF-style: chr17-35107435-C-G. GRCh37 (hg19) VCF-style: chr17-33434454-C-G.
Other names: c.336G>C, p.Leu112= (NM_001142571.2); c.145-954G>C (NM_133629.3).
Identifiers: ClinVar variation 386129 (VCV000386129.19), dbSNP rs1057522424, ClinGen allele CA16607612.

ClinVar aggregate classification (germline): Benign/Likely benign. Review status: criteria provided, multiple submitters, no conflicts (2 of 4 stars). 5 submissions from 5 submitters: Benign (1); Likely benign (4). Last evaluated 2025-02-20.

Conditions:
Hereditary cancer-predisposing syndrome. Also called: Hereditary Cancer Syndrome; Hereditary neoplastic syndrome; Neoplastic Syndromes, Hereditary; Tumor predisposition. Identifiers: Orphanet 140162, MedGen C0027672, MeSH D009386, MONDO:0015356.
Breast-ovarian cancer, familial, susceptibility to, 4. Identifiers: Orphanet 145, MedGen C3280345, MONDO:0013669, OMIM 614291.

Allele frequency attached by ClinVar (database versions not stated): TOPMed below 0.00001; gnomAD 0.00001.
gnomAD v4.1: 2 of 1,554,078 alleles (0.00013%); highest among the groups gnomAD compares: Non-Finnish European, 0.00018%; no homozygotes.

Submissions (5):

Myriad Genetics, Inc.
Classification: Benign for Breast-ovarian cancer, familial, susceptibility to, 4. Last evaluated: 2025-02-20. Review status: criteria provided, single submitter. Criteria: Myriad Autosomal Dominant, Autosomal Recessive and X-Linked Classification Criteria (2023). Collection method: clinical testing. Allele origin: unknown.
Comment: This variant is considered benign. This variant is a silent/synonymous amino acid change and it is not expected to impact splicing.

Labcorp Genetics (formerly Invitae), Labcorp
Classification: Likely benign for Breast-ovarian cancer, familial, susceptibility to, 4. Last evaluated: 2024-08-21. Review status: criteria provided, single submitter. Criteria: Invitae Variant Classification Sherloc (09022015). Collection method: clinical testing. Allele origin: germline.

Ambry Genetics
Classification: Likely benign for Hereditary cancer-predisposing syndrome. Last evaluated: 2019-02-19. Review status: criteria provided, single submitter. Criteria: Ambry Variant Classification Scheme 2023. Collection method: clinical testing. Allele origin: germline.

Color Diagnostics, LLC DBA Color Health
Classification: Likely benign for Hereditary cancer-predisposing syndrome. Last evaluated: 2017-02-02. Review status: criteria provided, single submitter. Criteria: ACMG Guidelines, 2015. Collection method: clinical testing. Allele origin: germline.

GeneDx
Classification: Likely benign. Last evaluated: 2016-05-11. Review status: criteria provided, single submitter. Criteria: GeneDx Variant Classification (06012015). Collection method: clinical testing. Allele origin: germline. Affected: yes.
Comment: This variant is considered likely benign or benign based on one or more of the following criteria: it is a conservative change, it occurs at a poorly conserved position in the protein, it is predicted to be benign by multiple in silico algorithms, and/or has population frequency not consistent with disease.